The following is an entry in ClinVar:

ClinVar aggregate classification (germline): Uncertain significance (1 of 4 stars; one submission).

Conditions:
Nephronophthisis. Also called: Juvenile Nephronophthisis. Identifiers: Orphanet 655, MedGen C0687120, MONDO:0019005, HP:0000090.
Meckel-Gruber syndrome. Also called: DYSENCEPHALIA SPLANCHNOCYSTICA; GRUBER SYNDROME; Dysencephalia splachnocystica. Identifiers: Orphanet 564, MedGen C0265215, MONDO:0018921.
Joubert syndrome. Also called: CEREBELLOPARENCHYMAL DISORDER IV; JOUBERT-BOLTSHAUSER SYNDROME; Familial aplasia of the vermis. Identifiers: Orphanet 475, MedGen C5979921, MONDO:0018772.

Allele frequency attached by ClinVar (database versions not stated): gnomAD exomes below 0.00001; ExAC 0.00001.
gnomAD v4.1: 1 of 1,610,152 alleles (0.000062%); highest among the groups gnomAD compares: South Asian, 0.0011%; no homozygotes.

Submission:

Labcorp Genetics (formerly Invitae), Labcorp
Classification: Uncertain significance for Joubert syndrome; Meckel-Gruber syndrome; Nephronophthisis. Last evaluated: 2022-11-30. Review status: criteria provided, single submitter. Criteria: Invitae Variant Classification Sherloc (09022015). Collection method: clinical testing. Allele origin: germline.
Comment: In summary, the available evidence is currently insufficient to determine the role of this variant in disease. Therefore, it has been classified as a Variant of Uncertain Significance. Algorithms developed to predict the effect of missense changes on protein structure and function output the following: SIFT: "Deleterious"; PolyPhen-2: "Benign"; Align-GVGD: "Class C0". The asparagine amino acid residue is found in multiple mammalian species, which suggests that this missense change does not adversely affect protein function. ClinVar contains an entry for this variant (Variation ID: 1466732). This variant has not been reported in the literature in individuals affected with CEP290-related conditions. This variant is present in population databases (rs757526726, gnomAD 0.003%). This sequence change replaces serine, which is neutral and polar, with asparagine, which is neutral and polar, at codon 1127 of the CEP290 protein (p.Ser1127Asn).

NM_025114.4(CEP290):c.3380G>A (p.Ser1127Asn)

Gene: CEP290 (centrosomal protein 290; minus strand). Cytogenetic location: 12q21.32.
Variant type: single nucleotide variant.
Coding change: c.3380G>A on transcript NM_025114.4 (MANE Select); coding-DNA position 3380, G replaced by A.
Protein change: p.Ser1127Asn; replaces serine 1127 with asparagine.
Molecular consequence: missense variant.
Genome position (GRCh38, 1-based): chr12:88,092,762, C>T on the plus strand (G>A on the coding strand, the complement: CEP290 is on the minus strand). VCF-style: chr12-88092762-C-T. GRCh37 (hg19) VCF-style: chr12-88486539-C-T.
Other names: short protein forms S1127N.
Identifiers: ClinVar variation 1466732 (VCV001466732.8), dbSNP rs757526726, ClinGen allele CA6712154.